The following is an entry in ClinVar:

NM_000051.4(ATM):c.6615G>T (p.Trp2205Cys)

Genes: ATM (ATM serine/threonine kinase; plus strand), C11orf65 (chromosome 11 open reading frame 65; minus strand). Cytogenetic location: 11q22.3.
Variant type: single nucleotide variant.
Coding change: c.6615G>T on transcript NM_000051.4 (MANE Select); coding-DNA position 6615, G replaced by T.
Protein change: p.Trp2205Cys; replaces tryptophan 2205 with cysteine.
Molecular consequence: missense variant. On other transcripts: intron variant (2).
Genome position (GRCh38, 1-based): chr11:108,325,352, G>T. VCF-style: chr11-108325352-G-T. GRCh37 (hg19) VCF-style: chr11-108196079-G-T.
Other names: c.6615G>T, p.Trp2205Cys (NM_001351834.2); c.641-16281C>A (NM_001330368.2); c.*38+9868C>A (NM_001351110.2); short protein forms W2205C.
Identifiers: ClinVar variation 524362 (VCV000524362.10), dbSNP rs1555119041, ClinGen allele CA382554735.

ClinVar aggregate classification (germline): Uncertain significance. Review status: criteria provided, multiple submitters, no conflicts (2 of 4 stars). 2 submissions from 2 submitters: Uncertain significance (2). Last evaluated 2025-05-05.

Conditions:
Hereditary cancer-predisposing syndrome. Also called: Hereditary Cancer Syndrome; Neoplastic Syndromes, Hereditary; Tumor predisposition; Hereditary neoplastic syndrome. Identifiers: Orphanet 140162, MedGen C0027672, MeSH D009386, MONDO:0015356.
Ataxia-telangiectasia syndrome (AT). Also called: Cerebello-oculocutaneous telangiectasia; Immunodeficiency with ataxia telangiectasia; Ataxia-telangiectasia, complementation group E; Ataxia-telangiectasia, complementation group D; AT, COMPLEMENTATION GROUP C; ATAXIA-TELANGIECTASIA, COMPLEMENTATION GROUP A. Identifiers: Orphanet 100, MedGen C0004135, MONDO:0008840, OMIM 208900.

Allele frequency attached by ClinVar (database versions not stated): TOPMed below 0.00001.

Submissions (2):

Ambry Genetics
Classification: Uncertain significance for Hereditary cancer-predisposing syndrome. Last evaluated: 2025-05-05. Review status: criteria provided, single submitter. Criteria: Ambry Variant Classification Scheme 2023. Collection method: clinical testing. Allele origin: germline.
Comment: The p.W2205C variant (also known as c.6615G>T), located in coding exon 45 of the ATM gene, results from a G to T substitution at nucleotide position 6615. The tryptophan at codon 2205 is replaced by cysteine, an amino acid with highly dissimilar properties. This amino acid position is conserved. In addition, this alteration is predicted to be deleterious by in silico analysis. Based on the available evidence, the clinical significance of this variant remains unclear.

Labcorp Genetics (formerly Invitae), Labcorp
Classification: Uncertain significance for Ataxia-telangiectasia syndrome. Last evaluated: 2024-07-21. Review status: criteria provided, single submitter. Criteria: Invitae Variant Classification Sherloc (09022015). Collection method: clinical testing. Allele origin: germline.
Comment: This sequence change replaces tryptophan, which is neutral and slightly polar, with cysteine, which is neutral and slightly polar, at codon 2205 of the ATM protein (p.Trp2205Cys). This variant is not present in population databases (gnomAD no frequency). This variant has not been reported in the literature in individuals affected with ATM-related conditions. ClinVar contains an entry for this variant (Variation ID: 524362). An algorithm developed to predict the effect of missense changes on protein structure and function (PolyPhen-2) suggests that this variant is likely to be disruptive. In summary, the available evidence is currently insufficient to determine the role of this variant in disease. Therefore, it has been classified as a Variant of Uncertain Significance.